The following is an entry in ClinVar:

ClinVar aggregate classification (germline): Uncertain significance (1 of 4 stars; one submission).

Conditions:
Hereditary cancer-predisposing syndrome. Also called: Neoplastic Syndromes, Hereditary; Tumor predisposition; Hereditary Cancer Syndrome; Hereditary neoplastic syndrome. Identifiers: Orphanet 140162, MedGen C0027672, MeSH D009386, MONDO:0015356.

Submission:

Ambry Genetics
Classification: Uncertain significance for Hereditary cancer-predisposing syndrome. Last evaluated: 2019-07-16. Review status: criteria provided, single submitter. Criteria: Ambry Variant Classification Scheme 2023. Collection method: clinical testing. Allele origin: germline.
Comment: The p.S624F variant (also known as c.1871C>T), located in coding exon 11 of the PMS2 gene, results from a C to T substitution at nucleotide position 1871. The serine at codon 624 is replaced by phenylalanine, an amino acid with highly dissimilar properties. This amino acid position is not well conserved in available vertebrate species. In addition, this alteration is predicted to be tolerated by in silico analysis. Since supporting evidence is limited at this time, the clinical significance of this alteration remains unclear.

NM_000535.7(PMS2):c.1871C>T (p.Ser624Phe)

Gene: PMS2 (PMS1 homolog 2, mismatch repair system component; minus strand). Cytogenetic location: 7p22.1.
Variant type: single nucleotide variant.
Coding change: c.1871C>T on transcript NM_000535.7 (MANE Select); coding-DNA position 1871, C replaced by T.
Protein change: p.Ser624Phe; replaces serine 624 with phenylalanine.
Molecular consequence: missense variant. On other transcripts: non-coding transcript variant (1).
Genome position (GRCh38, 1-based): chr7:5,986,894, G>A on the plus strand (C>T on the coding strand, the complement: PMS2 is on the minus strand). VCF-style: chr7-5986894-G-A. GRCh37 (hg19) VCF-style: chr7-6026525-G-A.
Other names: c.1466C>T, p.Ser489Phe (NM_001018040.1, NM_001322003.2, NM_001322004.2 and 17 more transcripts); c.1715C>T, p.Ser572Phe (NM_001322006.2, NM_001406870.1); c.1553C>T, p.Ser518Phe (NM_001322007.2, NM_001322008.2, NM_001406876.1 and 2 more transcripts); c.1310C>T, p.Ser437Phe (NM_001322010.2, NM_001406906.1, NM_001406907.1); c.938C>T, p.Ser313Phe (NM_001322011.2, NM_001322012.2); c.1298C>T, p.Ser433Phe (NM_001322013.2, NM_001406909.1); c.1871C>T, p.Ser624Phe (NM_001322014.2, NM_001406871.1, NM_001406872.1); c.1562C>T, p.Ser521Phe (NM_001322015.2, NM_001406875.1, NM_001406877.1 and 5 more transcripts); and 12 more; short protein forms S367F, S437F, S466F, S572F, S588F, S489F, S502F, S518F.
Identifiers: ClinVar variation 1781699 (VCV001781699.2), dbSNP rs2128722016, ClinGen allele CA366739488.